The following is an entry in ClinVar:

NM_000263.4(NAGLU):c.1052G>C (p.Gly351Ala)

Gene: NAGLU (N-acetyl-alpha-glucosaminidase; plus strand). Cytogenetic location: 17q21.2.
Variant type: single nucleotide variant.
Coding change: c.1052G>C on transcript NM_000263.4 (MANE Select); coding-DNA position 1052, G replaced by C.
Protein change: p.Gly351Ala; replaces glycine 351 with alanine.
Molecular consequence: missense variant.
Genome position (GRCh38, 1-based): chr17:42,543,058, G>C. VCF-style: chr17-42543058-G-C. GRCh37 (hg19) VCF-style: chr17-40695076-G-C.
Other names: short protein forms G351A.
Identifiers: ClinVar variation 1964757 (VCV001964757.2), dbSNP rs376582504, ClinGen allele CA8576945.
Genomic context (GRCh38, chr17:42,543,058, plus strand): 5'-TTCTCTGTTCCCCCTACCTCCTGTCCACAGTGGATACTGAGGCTGTGTGGCTGCTCCAAG[G>C]CTGGCTCTTCCAGCACCAGCCGCAGTTCTGGGGGCCCGCCCAGATCAGGGCTGTGCTGGG-3'
Protein context (NP_000254.2, residues 341-361): VDTEAVWLLQ[Gly351Ala]WLFQHQPQFW

ClinVar aggregate classification (germline): Uncertain significance (1 of 4 stars; one submission).

Conditions:
Mucopolysaccharidosis, MPS-III-B (MPS3B). Also called: N-ACETYL-ALPHA-D-GLUCOSAMINIDASE DEFICIENCY; NAGLU DEFICIENCY; SANFILIPPO SYNDROME B; MPS III B; Mucopolysaccharidosis type IIIB (Sanfilippo B); MPS IIIB (Sanfilippo Syndrome Type B). Identifiers: Orphanet 79270, MedGen C0086648, MONDO:0009656, OMIM 252920.
Charcot-Marie-Tooth disease axonal type 2V. Also called: CHARCOT-MARIE-TOOTH NEUROPATHY, TYPE 2V; CHARCOT-MARIE-TOOTH DISEASE, AXONAL, AUTOSOMAL DOMINANT, TYPE 2V. Identifiers: Orphanet 447964, MedGen C5569050, MONDO:0014665, OMIM 616491.

Allele frequency attached by ClinVar (database versions not stated): ExAC 0.00001; gnomAD 0.00001; ESP Exome Variant Server 0.00008; TOPMed 0.00001.
gnomAD v4.1: 2 of 1,606,330 alleles (0.00012%); highest among the groups gnomAD compares: African/African-American, 0.0027%; no homozygotes.

Submission:

Labcorp Genetics (formerly Invitae), Labcorp
Classification: Uncertain significance for Charcot-Marie-Tooth disease axonal type 2V; Mucopolysaccharidosis, MPS-III-B. Last evaluated: 2022-04-21. Review status: criteria provided, single submitter. Criteria: Invitae Variant Classification Sherloc (09022015). Collection method: clinical testing. Allele origin: germline.
Comment: This sequence change replaces glycine, which is neutral and non-polar, with alanine, which is neutral and non-polar, at codon 351 of the NAGLU protein (p.Gly351Ala). This variant is present in population databases (rs376582504, gnomAD 0.007%). This variant has not been reported in the literature in individuals affected with NAGLU-related conditions. Advanced modeling of protein sequence and biophysical properties (such as structural, functional, and spatial information, amino acid conservation, physicochemical variation, residue mobility, and thermodynamic stability) performed at Invitae indicates that this missense variant is expected to disrupt NAGLU protein function. In summary, the available evidence is currently insufficient to determine the role of this variant in disease. Therefore, it has been classified as a Variant of Uncertain Significance.